The following is an entry in ClinVar:

ClinVar aggregate classification (germline): Likely benign (1 of 4 stars; one submission).

gnomAD v4.1: 4 of 1,612,922 alleles (0.00025%); highest among the groups gnomAD compares: Admixed American, 0.0033%; no homozygotes.

Submission:

CeGaT Center for Human Genetics Tuebingen
Classification: Likely benign. Last evaluated: 2026-02-01. Review status: criteria provided, single submitter. Criteria: CeGaT Center For Human Genetics Tuebingen Variant Classification Criteria Version 2. Collection method: clinical testing. Allele origin: germline. Affected: yes. Observed: 1 variant allele.
Comment: SHOX2: BP4, BP7

NM_001163678.2(SHOX2):c.15G>T (p.Thr5=)

Gene: SHOX2 (SHOX homeobox 2; minus strand). Cytogenetic location: 3q25.32.
Variant type: single nucleotide variant.
Coding change: c.15G>T on transcript NM_001163678.2 (MANE Select); coding-DNA position 15, G replaced by T.
Protein change: p.Thr5=; no amino-acid change (threonine 5 retained).
Molecular consequence: synonymous variant.
Genome position (GRCh38, 1-based): chr3:158,106,010, C>A on the plus strand (G>T on the coding strand, the complement: SHOX2 is on the minus strand). VCF-style: chr3-158106010-C-A. GRCh37 (hg19) VCF-style: chr3-157823799-C-A.
Other names: c.15G>T, p.Thr5= (NM_003030.4, NM_006884.3).
Identifiers: ClinVar variation 4823290 (VCV004823290.4).